The following is an entry in ClinVar:

NM_001077418.3(TMEM231):c.12T>C (p.Tyr4=)

Gene: TMEM231 (transmembrane protein 231; minus strand). Cytogenetic location: 16q23.1.
Variant type: single nucleotide variant.
Coding change: c.12T>C on transcript NM_001077418.3 (MANE Select); coding-DNA position 12, T replaced by C.
Protein change: p.Tyr4=; no amino-acid change (tyrosine 4 retained).
Molecular consequence: synonymous variant. On other transcripts: missense variant (1), non-coding transcript variant (1).
Genome position (GRCh38, 1-based): chr16:75,556,198, A>G on the plus strand (T>C on the coding strand, the complement: TMEM231 is on the minus strand). VCF-style: chr16-75556198-A-G. GRCh37 (hg19) VCF-style: chr16-75590096-A-G.
Other names: c.74T>C, p.Met25Thr (NM_001077416.2); short protein forms M25T.
Identifiers: ClinVar variation 2189886 (VCV002189886.2), dbSNP rs397514609, ClinGen allele CA8176319.

ClinVar aggregate classification (germline): Uncertain significance. Review status: criteria provided, multiple submitters, no conflicts (2 of 4 stars). 2 submissions from 2 submitters: Uncertain significance (2). Last evaluated 2024-01-10.

Conditions:
Joubert syndrome 20 (JBTS20). Identifiers: Orphanet 475, MedGen C3554235, MONDO:0013994, OMIM 614970.
Meckel syndrome, type 11 (MKS11). Identifiers: Orphanet 564, MedGen C3809352, MONDO:0014164, OMIM 615397.

gnomAD v4.1: 18 of 1,473,338 alleles (0.0012%); highest among the groups gnomAD compares: South Asian, 0.021%; no homozygotes.

Submissions (2):

Fulgent Genetics
Classification: Uncertain significance for Joubert syndrome 20; Meckel syndrome, type 11. Last evaluated: 2024-01-10. Review status: criteria provided, single submitter. Criteria: ACMG Guidelines, 2015. Collection method: clinical testing. Allele origin: germline.

Labcorp Genetics (formerly Invitae), Labcorp
Classification: Uncertain significance for Joubert syndrome 20; Meckel syndrome, type 11. Last evaluated: 2022-08-21. Review status: criteria provided, single submitter. Criteria: Invitae Variant Classification Sherloc (09022015). Collection method: clinical testing. Allele origin: germline.
Comment: This sequence change replaces methionine, which is neutral and non-polar, with threonine, which is neutral and polar, at codon 25 of the TMEM231 protein (p.Met25Thr). The frequency data for this variant in the population databases is considered unreliable, as metrics indicate poor data quality at this position in the gnomAD database. This variant has not been reported in the literature in individuals affected with TMEM231-related conditions. Algorithms developed to predict the effect of missense changes on protein structure and function output the following: SIFT: "Deleterious"; PolyPhen-2: "Not Available"; Align-GVGD: "Class C0". The threonine amino acid residue is found in multiple mammalian species, which suggests that this missense change does not adversely affect protein function. This variant disrupts the p.Met25 amino acid residue in TMEM231. Other variant(s) that disrupt this residue have been determined to be pathogenic (PMID: 23012439). This suggests that this residue is clinically significant, and that variants that disrupt this residue are likely to be disease-causing. In summary, the available evidence is currently insufficient to determine the role of this variant in disease. Therefore, it has been classified as a Variant of Uncertain Significance.

Literature cited by the submitters: PubMed 23012439 (cited by Labcorp Genetics (formerly Invitae), Labcorp).